The following is an entry in ClinVar:

NM_000268.4(NF2):c.468T>C (p.Ser156=)

Gene: NF2 (NF2, moesin-ezrin-radixin like (MERLIN) tumor suppressor; plus strand). Cytogenetic location: 22q12.2.
Variant type: single nucleotide variant.
Coding change: c.468T>C on transcript NM_000268.4 (MANE Select); coding-DNA position 468, T replaced by C.
Protein change: p.Ser156=; no amino-acid change (serine 156 retained).
Molecular consequence: synonymous variant. On other transcripts: 5 prime UTR variant (1), intron variant (1).
Genome position (GRCh38, 1-based): chr22:29,654,677, T>C. VCF-style: chr22-29654677-T-C. GRCh37 (hg19) VCF-style: chr22-30050666-T-C.
Other names: c.354T>C, p.Ser118= (NM_001407053.1, NM_001407056.1); c.345T>C, p.Ser115= (NM_001407054.1, NM_001407058.1, NM_001407062.1 and 1 more transcripts); c.342T>C, p.Ser114= (NM_001407055.1, NM_181828.3); c.468T>C, p.Ser156= (NM_001407057.1, NM_001407059.1, NM_001407060.1 and 4 more transcripts); c.219T>C, p.Ser73= (NM_001407063.1, NM_001407064.1, NM_181830.3 and 1 more transcripts); c.-173T>C (NM_001407065.1); c.237T>C, p.Ser79= (NM_001407067.1); c.447+12392T>C (NM_181833.3).
Identifiers: ClinVar variation 2180893 (VCV002180893.7), dbSNP rs2146966658, ClinGen allele CA514181633.

ClinVar aggregate classification (germline): Likely benign. Review status: criteria provided, multiple submitters, no conflicts (2 of 4 stars). 3 submissions from 3 submitters: Likely benign (3). Last evaluated 2024-04-16.

Conditions:
Hereditary cancer-predisposing syndrome. Also called: Neoplastic Syndromes, Hereditary; Tumor predisposition; Hereditary Cancer Syndrome; Hereditary neoplastic syndrome. Identifiers: Orphanet 140162, MedGen C0027672, MeSH D009386, MONDO:0015356.
Neurofibromatosis, type 2 (SWNV). Also called: BILATERAL ACOUSTIC NEUROFIBROMATOSIS; SCHWANNOMATOSIS, VESTIBULAR; NF2-Related Schwannomatosis. Identifiers: Orphanet 637, MedGen C0027832, MONDO:0007039, OMIM 101000. Disease mechanism: loss of function.

Submissions (3):

All of Us Research Program, National Institutes of Health
Classification: Likely benign for Neurofibromatosis, type 2. Last evaluated: 2024-04-16. Review status: criteria provided, single submitter. Criteria: ACMG Guidelines, 2015. Collection method: clinical testing. Allele origin: germline. Inheritance: Autosomal dominant inheritance. Observed: 1 variant allele, 1 heterozygote.
Comment: This study involves interpretation of variants in research participants for the purpose of population health screening. Participant phenotype was not available at the time of variant classification. Additional details can be found in publication PMID: 35346344, PMCID: PMC8962531

Ambry Genetics
Classification: Likely benign for Hereditary cancer-predisposing syndrome. Last evaluated: 2023-06-01. Review status: criteria provided, single submitter. Criteria: Ambry Variant Classification Scheme 2023. Collection method: clinical testing. Allele origin: germline.

Labcorp Genetics (formerly Invitae), Labcorp
Classification: Likely benign for Neurofibromatosis, type 2. Last evaluated: 2022-07-29. Review status: criteria provided, single submitter. Criteria: Invitae Variant Classification Sherloc (09022015). Collection method: clinical testing. Allele origin: germline.